The following is an entry in ClinVar:

NM_000059.4(BRCA2):c.4199_4201del (p.His1400_Gly1401delinsArg)

Gene: BRCA2 (BRCA2 DNA repair associated; plus strand). Cytogenetic location: 13q13.1.
Variant type: Deletion.
Coding change: c.4199_4201del on transcript NM_000059.4 (MANE Select); coding-DNA positions 4199 to 4201, 3 bases deleted (ATG; older notation c.4199_4201delATG).
Protein change: p.His1400_Gly1401delinsArg.
Molecular consequence: inframe indel. On other transcripts: non-coding transcript variant (1), intron variant (2).
Genome position (GRCh38, 1-based): chr13:32,338,554-32,338,556, ATG deleted. VCF-style (leftmost placement, unchanged base first): chr13-32338553-CATG-C. GRCh37 (hg19) VCF-style: chr13-32912690-CATG-C.
Other names: c.4199_4201del, p.His1400_Gly1401delinsArg (NM_001406719.1, NM_001406720.1, NM_001432077.1); c.1909+5167_1909+5169del (NM_001406721.1); c.425-6004_425-6002del (NM_001406722.1).
Identifiers: ClinVar variation 4215880 (VCV004215880.1).

ClinVar aggregate classification (germline): Uncertain significance (1 of 4 stars; one submission).

Conditions:
Hereditary cancer-predisposing syndrome. Also called: Hereditary Cancer Syndrome; Hereditary neoplastic syndrome; Neoplastic Syndromes, Hereditary; Tumor predisposition. Identifiers: Orphanet 140162, MedGen C0027672, MeSH D009386, MONDO:0015356.

Submission:

Ambry Genetics
Classification: Uncertain significance for Hereditary cancer-predisposing syndrome. Last evaluated: 2025-08-08. Review status: criteria provided, single submitter. Criteria: Ambry Variant Classification Scheme 2023. Collection method: clinical testing. Allele origin: germline.
Comment: The c.4199_4201delATG variant (also known as p.H1400_G1401delinsR) is located in coding exon 10 of the BRCA2 gene. This variant results from an in-frame ATG deletion at nucleotide positions 4199 to 4201. This results in the substitution of histidine and glycine residues for an arginine residue at codons 1400 and 1401. This amino acid region is not well conserved in available vertebrate species. In addition, this variant is predicted to be deleterious by in silico analysis (Choi Y et al. PLoS ONE. 2012; 7(10):e46688). Based on the available evidence, the clinical significance of this variant remains unclear.